The following is an entry in ClinVar:

ClinVar aggregate classification (germline): Uncertain significance (1 of 4 stars; one submission).

Conditions:
Hereditary cancer-predisposing syndrome. Also called: Hereditary neoplastic syndrome; Hereditary Cancer Syndrome; Neoplastic Syndromes, Hereditary; Tumor predisposition. Identifiers: Orphanet 140162, MedGen C0027672, MeSH D009386, MONDO:0015356.

Allele frequency attached by ClinVar (database versions not stated): TOPMed below 0.00001.

Submission:

Color Diagnostics, LLC DBA Color Health
Classification: Uncertain significance for Hereditary cancer-predisposing syndrome. Last evaluated: 2023-05-23. Review status: criteria provided, single submitter. Criteria: ACMG Guidelines, 2015. Collection method: clinical testing. Allele origin: germline.
Comment: This missense variant replaces alanine with threonine at codon 440 of the MSH6 protein. Computational prediction suggests that this variant may have deleterious impact on protein structure and function (internally defined REVEL score threshold >= 0.7, PMID: 27666373). To our knowledge, functional studies have not been reported for this variant. This variant has not been reported in individuals affected with MSH6-related disorders in the literature. This variant has not been identified in the general population by the Genome Aggregation Database (gnomAD). The available evidence is insufficient to determine the role of this variant in disease conclusively. Therefore, this variant is classified as a Variant of Uncertain Significance.

NM_000179.3(MSH6):c.1318G>A (p.Ala440Thr)

Gene: MSH6 (mutS homolog 6; plus strand). Cytogenetic location: 2p16.3.
Variant type: single nucleotide variant.
Coding change: c.1318G>A on transcript NM_000179.3 (MANE Select); coding-DNA position 1318, G replaced by A.
Protein change: p.Ala440Thr; replaces alanine 440 with threonine.
Molecular consequence: missense variant. On other transcripts: non-coding transcript variant (4), intron variant (1).
Genome position (GRCh38, 1-based): chr2:47,799,301, G>A. VCF-style: chr2-47799301-G-A. GRCh37 (hg19) VCF-style: chr2-48026440-G-A.
Other names: c.928G>A, p.Ala310Thr (NM_001281492.2); c.412G>A, p.Ala138Thr (NM_001281493.2, NM_001281494.2, NM_001406811.1 and 6 more transcripts); c.1414G>A, p.Ala472Thr (NM_001406795.1, NM_001406802.1); c.1318G>A, p.Ala440Thr (NM_001406796.1, NM_001406798.1, NM_001406800.1 and 4 more transcripts); c.1021G>A, p.Ala341Thr (NM_001406797.1, NM_001406801.1, NM_001406805.1 and 10 more transcripts); c.793G>A, p.Ala265Thr (NM_001406799.1, NM_001406806.1, NM_001406807.1); c.1240G>A, p.Ala414Thr (NM_001406804.1); c.1324G>A, p.Ala442Thr (NM_001406813.1); and 2 more; short protein forms A341T, A310T, A384T, A265T, A440T, A414T, A138T, A442T.
Identifiers: ClinVar variation 2773637 (VCV002773637.2), dbSNP rs1669319377, ClinGen allele CA346744417.